The following is an entry in ClinVar:

NM_000179.3(MSH6):c.1778A>C (p.Gln593Pro)

Gene: MSH6 (mutS homolog 6; plus strand). Cytogenetic location: 2p16.3.
Variant type: single nucleotide variant.
Coding change: c.1778A>C on transcript NM_000179.3 (MANE Select); coding-DNA position 1778, A replaced by C.
Protein change: p.Gln593Pro; replaces glutamine 593 with proline.
Molecular consequence: missense variant. On other transcripts: non-coding transcript variant (4), intron variant (2).
Genome position (GRCh38, 1-based): chr2:47,799,761, A>C. VCF-style: chr2-47799761-A-C. GRCh37 (hg19) VCF-style: chr2-48026900-A-C.
Other names: c.1700A>C, p.Gln567Pro (NM_001406804.1); c.1481A>C, p.Gln494Pro (NM_001406805.1, NM_001406797.1, NM_001406801.1 and 10 more transcripts); c.1253A>C, p.Gln418Pro (NM_001406806.1, NM_001406807.1, NM_001406799.1); c.1778A>C, p.Gln593Pro (NM_001406808.1, NM_001406809.1, NM_001406796.1 and 3 more transcripts); c.872A>C, p.Gln291Pro (NM_001406811.1, NM_001406812.1, NM_001406814.1 and 6 more transcripts); c.1784A>C, p.Gln595Pro (NM_001406813.1); c.1388A>C, p.Gln463Pro (NM_001281492.2); c.1874A>C, p.Gln625Pro (NM_001406795.1, NM_001406802.1); and 3 more; short protein forms Q291P, Q418P, Q463P, Q494P, Q537P, Q567P, Q593P, Q595P.
Identifiers: ClinVar variation 3894032 (VCV003894032.2).

ClinVar aggregate classification (germline): Uncertain significance. Review status: criteria provided, multiple submitters, no conflicts (2 of 4 stars). 2 submissions from 2 submitters: Uncertain significance (2). Last evaluated 2026-07-06.

Conditions:
Hereditary cancer-predisposing syndrome. Also called: Hereditary Cancer Syndrome; Hereditary neoplastic syndrome; Neoplastic Syndromes, Hereditary; Tumor predisposition. Identifiers: Orphanet 140162, MedGen C0027672, MeSH D009386, MONDO:0015356.

gnomAD v4.1: 1 of 1,614,194 alleles (0.000062%); highest among the groups gnomAD compares: Non-Finnish European, 0.000085%; no homozygotes.

Submissions (2):

Ambry Genetics
Classification: Uncertain significance for Hereditary cancer-predisposing syndrome. Last evaluated: 2026-07-06. Review status: criteria provided, single submitter. Criteria: Ambry Variant Classification Scheme 2023. Collection method: clinical testing. Allele origin: germline.
Comment: The p.Q593P variant (also known as c.1778A>C), located in coding exon 4 of the MSH6 gene, results from an A to C substitution at nucleotide position 1778. The glutamine at codon 593 is replaced by proline, an amino acid with similar properties. This amino acid position is conserved. In addition, this alteration is predicted to be deleterious by in silico analysis. Based on the available evidence, the clinical significance of this variant remains unclear.

Color Diagnostics, LLC DBA Color Health
Classification: Uncertain significance for Hereditary cancer-predisposing syndrome. Last evaluated: 2024-07-29. Review status: criteria provided, single submitter. Criteria: ACMG Guidelines, 2015. Collection method: clinical testing. Allele origin: germline.
Comment: This missense variant replaces glutamine with proline at codon 593 of the MSH6 protein. Computational prediction suggests that this variant may have deleterious impact on protein structure and function (internally defined REVEL score threshold >= 0.7, PMID: 27666373). To our knowledge, functional studies have not been reported for this variant. This variant has not been reported in individuals affected with MSH6-related disorders in the literature. This variant has not been identified in the general population by the Genome Aggregation Database (gnomAD). The available evidence is insufficient to determine the role of this variant in disease conclusively. Therefore, this variant is classified as a Variant of Uncertain Significance.